The following is an entry in ClinVar:

NM_001010862.3(SPIN3):c.137G>A (p.Arg46Gln)

Gene: SPIN3 (spindlin family member 3; minus strand). Cytogenetic location: Xp11.21.
Variant type: single nucleotide variant.
Coding change: c.137G>A on transcript NM_001010862.3 (MANE Select); coding-DNA position 137, G replaced by A.
Protein change: p.Arg46Gln; replaces arginine 46 with glutamine.
Molecular consequence: missense variant. On other transcripts: non-coding transcript variant (1).
Genome position (GRCh38, 1-based): chrX:56,994,811, C>T on the plus strand (G>A on the coding strand, the complement: SPIN3 is on the minus strand). VCF-style: chrX-56994811-C-T. GRCh37 (hg19) VCF-style: chrX-57021244-C-T.
Other names: short protein forms R46Q.
Identifiers: ClinVar variation 2660711 (VCV002660711.24), dbSNP rs369043306, ClinGen allele CA10430294.

ClinVar aggregate classification (germline): Likely benign (1 of 4 stars; one submission).

Allele frequency attached by ClinVar (database versions not stated): gnomAD exomes 0.00007; TOPMed 0.00015; gnomAD 0.00021; ExAC 0.00030; 1000 Genomes Project 30x 0.00187; 1000 Genomes Project 0.00238.
gnomAD v4.1: 142 of 1,209,895 alleles (0.012%); highest among the groups gnomAD compares: East Asian, 0.22%; 1 homozygote.

Submission:

CeGaT Center for Human Genetics Tuebingen
Classification: Likely benign. Last evaluated: 2022-12-01. Review status: criteria provided, single submitter. Criteria: CeGaT Center For Human Genetics Tuebingen Variant Classification Criteria Version 2. Collection method: clinical testing. Allele origin: germline. Affected: yes. Observed: 1 variant allele.
Comment: SPIN3: BP4, BS2